The following is an entry in ClinVar:

ClinVar aggregate classification (germline): Uncertain significance (1 of 4 stars; one submission).

Conditions:
Werner syndrome (WRN). Identifiers: Orphanet 902, MedGen C0043119, MONDO:0010196, OMIM 277700.

Allele frequency attached by ClinVar (database versions not stated): gnomAD exomes below 0.00001 and 0.00001; gnomAD 0.00001.
gnomAD v4.1: 3 of 1,611,886 alleles (0.00019%); highest among the groups gnomAD compares: East Asian, 0.0067%; no homozygotes.

Submission:

Labcorp Genetics (formerly Invitae), Labcorp
Classification: Uncertain significance for Werner syndrome. Last evaluated: 2025-10-07. Review status: criteria provided, single submitter. Criteria: Invitae Variant Classification Sherloc (09022015). Collection method: clinical testing. Allele origin: germline.
Comment: This sequence change falls in intron 12 of the WRN gene. It does not directly change the encoded amino acid sequence of the WRN protein. It affects a nucleotide within the consensus splice site. This variant is present in population databases (no rsID available, gnomAD 0.02%). This variant has not been reported in the literature in individuals affected with WRN-related conditions. ClinVar contains an entry for this variant (Variation ID: 937005). Variants that disrupt the consensus splice site are a relatively common cause of aberrant splicing (PMID: 17576681, 9536098). Algorithms developed to predict the effect of sequence changes on RNA splicing suggest that this variant is not likely to affect RNA splicing. In summary, the available evidence is currently insufficient to determine the role of this variant in disease. Therefore, it has been classified as a Variant of Uncertain Significance.

Literature cited by the submitters: PubMed 17576681; PubMed 9536098.

NM_000553.6(WRN):c.1576+6C>T

Gene: WRN (WRN RecQ like helicase; plus strand). Cytogenetic location: 8p12.
Variant type: single nucleotide variant.
Coding change: c.1576+6C>T on transcript NM_000553.6 (MANE Select); 6 bases into the intron after coding-DNA position 1576, C replaced by T.
Molecular consequence: intron variant.
Genome position (GRCh38, 1-based): chr8:31,087,926, C>T. VCF-style: chr8-31087926-C-T. GRCh37 (hg19) VCF-style: chr8-30945442-C-T.
Identifiers: ClinVar variation 937005 (VCV000937005.6), dbSNP rs1428635169, ClinGen allele CA580996853.